The following is an entry in ClinVar:

NM_020778.5(ALPK3):c.-45G>A

Gene: ALPK3 (alpha kinase 3; plus strand). Cytogenetic location: 15q25.3.
Variant type: single nucleotide variant.
Coding change: c.-45G>A on transcript NM_020778.5 (MANE Select); 45 bases upstream of the start codon, G replaced by A.
Molecular consequence: 5 prime UTR variant.
Genome position (GRCh38, 1-based): chr15:84,817,408, G>A. VCF-style: chr15-84817408-G-A. GRCh37 (hg19) VCF-style: chr15-85360639-G-A.
Identifiers: ClinVar variation 1913054 (VCV001913054.5), dbSNP rs1342347695, ClinGen allele CA393369163.

ClinVar aggregate classification (germline): Uncertain significance (1 of 4 stars; one submission).

Allele frequency attached by ClinVar (database versions not stated): gnomAD exomes below 0.00001.
gnomAD v4.1: 2 of 1,235,520 alleles (0.00016%); highest among the groups gnomAD compares: South Asian, 0.0035%; no homozygotes.

Submission:

Labcorp Genetics (formerly Invitae), Labcorp
Classification: Uncertain significance. Last evaluated: 2025-11-09. Review status: criteria provided, single submitter. Criteria: Invitae Variant Classification Sherloc (09022015). Collection method: clinical testing. Allele origin: germline.
Comment: This sequence change replaces glutamic acid, which is acidic and polar, with lysine, which is basic and polar, at codon 188 of the ALPK3 protein (p.Glu188Lys). This variant is not present in population databases (gnomAD no frequency). This variant has not been reported in the literature in individuals affected with ALPK3-related conditions. ClinVar contains an entry for this variant (Variation ID: 1913054). An algorithm developed to predict the effect of missense changes on protein structure and function (PolyPhen-2) suggests that this variant is likely to be tolerated. In summary, the available evidence is currently insufficient to determine the role of this variant in disease. Therefore, it has been classified as a Variant of Uncertain Significance.